The following is an entry in ClinVar:

ClinVar aggregate classification (germline): Uncertain significance (1 of 4 stars; one submission).

Conditions:
Hereditary cancer-predisposing syndrome. Also called: Neoplastic Syndromes, Hereditary; Tumor predisposition; Hereditary neoplastic syndrome; Hereditary Cancer Syndrome. Identifiers: Orphanet 140162, MedGen C0027672, MeSH D009386, MONDO:0015356.

Submission:

Ambry Genetics
Classification: Uncertain significance for Hereditary cancer-predisposing syndrome. Last evaluated: 2026-08-03. Review status: criteria provided, single submitter. Criteria: Ambry Variant Classification Scheme 2023. Collection method: clinical testing. Allele origin: germline.
Comment: The p.K2279R variant (also known as c.6836A>G), located in coding exon 15 of the APC gene, results from an A to G substitution at nucleotide position 6836. The lysine at codon 2279 is replaced by arginine, an amino acid with highly similar properties. This amino acid position is conserved. In addition, in silico predictors for this gene do not accurately predict pathogenicity. Based on the available evidence, the clinical significance of this variant remains unclear.

NM_000038.6(APC):c.6836A>G (p.Lys2279Arg)

Gene: APC (APC regulator of Wnt signaling pathway; plus strand). Cytogenetic location: 5q22.2.
Variant type: single nucleotide variant.
Coding change: c.6836A>G on transcript NM_000038.6 (MANE Select); coding-DNA position 6836, A replaced by G.
Protein change: p.Lys2279Arg; replaces lysine 2279 with arginine.
Molecular consequence: missense variant. On other transcripts: non-coding transcript variant (2).
Genome position (GRCh38, 1-based): chr5:112,842,430, A>G. VCF-style: chr5-112842430-A-G. GRCh37 (hg19) VCF-style: chr5-112178127-A-G.
Other names: c.6836A>G, p.Lys2279Arg (NM_001127510.3, NM_001354895.2, NM_001407450.1); c.6782A>G, p.Lys2261Arg (NM_001127511.3); c.6890A>G, p.Lys2297Arg (NM_001354896.2, NM_001407447.1, NM_001407448.1 and 1 more transcripts); c.6866A>G, p.Lys2289Arg (NM_001354897.2); c.6761A>G, p.Lys2254Arg (NM_001354898.2); c.6752A>G, p.Lys2251Arg (NM_001354899.2); c.6713A>G, p.Lys2238Arg (NM_001354900.2); c.6659A>G, p.Lys2220Arg (NM_001354901.2, NM_001407453.1); and 11 more; short protein forms K2150R, K2178R, K2251R, K2261R, K2289R, K1895R, K2188R, K2272R.
Identifiers: ClinVar variation 5025663 (VCV005025663.1).